The following is an entry in ClinVar:

NM_001999.4(FBN2):c.4791C>T (p.Ile1597=)

Gene: FBN2 (fibrillin 2; minus strand). Cytogenetic location: 5q23.3.
Variant type: single nucleotide variant.
Coding change: c.4791C>T on transcript NM_001999.4 (MANE Select); coding-DNA position 4791, C replaced by T.
Protein change: p.Ile1597=; no amino-acid change (isoleucine 1597 retained).
Molecular consequence: synonymous variant.
Genome position (GRCh38, 1-based): chr5:128,312,722, G>A on the plus strand (C>T on the coding strand, the complement: FBN2 is on the minus strand). VCF-style: chr5-128312722-G-A. GRCh37 (hg19) VCF-style: chr5-127648414-G-A.
Other names: p.I1597I:ATC>ATT.
Identifiers: ClinVar variation 137335 (VCV000137335.55), dbSNP rs147040906, ClinGen allele CA290878.

ClinVar aggregate classification (germline): Benign/Likely benign. Review status: criteria provided, multiple submitters, no conflicts (2 of 4 stars). 9 submissions from 9 submitters: Benign (5); Likely benign (4). Last evaluated 2026-02-02.

Conditions:
Congenital contractural arachnodactyly (CCA). Also called: BEALS SYNDROME; Beals-Hecht syndrome; Arthrogryposis, distal, type 9. Identifiers: Orphanet 115, MedGen C0220668, MONDO:0007363, OMIM 121050.
Familial thoracic aortic aneurysm and aortic dissection (TAAD). Also called: Thoracic aortic aneurysms and dissections. Identifiers: Orphanet 91387, MedGen C4707243, MONDO:0019625.

Allele frequency attached by ClinVar (database versions not stated): 1000 Genomes Project 0.00080; gnomAD 0.00115; 1000 Genomes Project 30x 0.00125; TOPMed 0.00151; ESP Exome Variant Server 0.00185.
gnomAD v4.1: 952 of 1,613,902 alleles (0.059%); highest among the groups gnomAD compares: African/African-American, 0.36%; no homozygotes.

Submissions (9):

Labcorp Genetics (formerly Invitae), Labcorp
Classification: Benign for Congenital contractural arachnodactyly. Last evaluated: 2026-02-02. Review status: criteria provided, single submitter. Criteria: Invitae Variant Classification Sherloc (09022015). Collection method: clinical testing. Allele origin: germline.

CeGaT Center for Human Genetics Tuebingen
Classification: Likely benign. Last evaluated: 2025-03-01. Review status: criteria provided, single submitter. Criteria: CeGaT Center For Human Genetics Tuebingen Variant Classification Criteria Version 2. Collection method: clinical testing. Allele origin: germline. Affected: yes. Observed: 5 variant alleles.
Comment: FBN2: BP4, BP7

Blueprint Genetics
Classification: Likely benign. Last evaluated: 2024-11-05. Review status: criteria provided, single submitter. Criteria: ACMG Guidelines, 2015. Collection method: clinical testing. Allele origin: germline.

Women's Health and Genetics/Laboratory Corporation of America, LabCorp
Classification: Benign. Last evaluated: 2024-02-05. Review status: criteria provided, single submitter. Criteria: LabCorp Variant Classification Summary - May 2015. Collection method: clinical testing. Allele origin: germline.

ARUP Laboratories, Molecular Genetics and Genomics, ARUP Laboratories
Classification: Benign. Last evaluated: 2023-09-04. Review status: criteria provided, single submitter. Criteria: ARUP Molecular Germline Variant Investigation Process 2024. Collection method: clinical testing. Allele origin: germline.

Illumina Laboratory Services, Illumina
Classification: Benign for Congenital contractural arachnodactyly. Last evaluated: 2018-01-12. Review status: criteria provided, single submitter. Criteria: ICSL Variant Classification Criteria 13 December 2019. Collection method: clinical testing. Allele origin: germline.
Comment: This variant was observed in the ICSL laboratory as part of a predisposition screen in an ostensibly healthy population. It had not been previously curated by ICSL or reported in the Human Gene Mutation Database (HGMD: prior to June 1st, 2018), and was therefore a candidate for classification through an automated scoring system. Utilizing variant allele frequency, disease prevalence and penetrance estimates, and inheritance mode, an automated score was calculated to assess if this variant is too frequent to cause the disease. Based on the score and internal cut-off values, a variant classified as benign is not then subjected to further curation. The score for this variant resulted in a classification of benign for this disease.

Ambry Genetics
Classification: Likely benign for Familial thoracic aortic aneurysm and aortic dissection. Last evaluated: 2015-09-09. Review status: criteria provided, single submitter. Criteria: Ambry Variant Classification Scheme 2023. Collection method: clinical testing. Allele origin: germline.

GeneDx
Classification: Benign. Last evaluated: 2014-02-08. Review status: criteria provided, single submitter. Criteria: GeneDx Variant Classification (06012015). Collection method: clinical testing. Allele origin: germline. Affected: yes.
Comment: This variant is considered likely benign or benign based on one or more of the following criteria: it is a conservative change, it occurs at a poorly conserved position in the protein, it is predicted to be benign by multiple in silico algorithms, and/or has population frequency not consistent with disease.

Breakthrough Genomics
Classification: Likely benign. Review status: criteria provided, single submitter. Criteria: ACMG Guidelines, 2015. Collection method: not provided. Allele origin: germline. Inheritance: Autosomal dominant inheritance. Affected: yes.